The following is an entry in ClinVar:

NM_000094.4(COL7A1):c.3220A>G (p.Arg1074Gly)

Gene: COL7A1 (collagen type VII alpha 1 chain; minus strand). Cytogenetic location: 3p21.31.
Variant type: single nucleotide variant.
Coding change: c.3220A>G on transcript NM_000094.4 (MANE Select); coding-DNA position 3220, A replaced by G.
Protein change: p.Arg1074Gly; replaces arginine 1074 with glycine.
Molecular consequence: missense variant.
Genome position (GRCh38, 1-based): chr3:48,587,028, T>C on the plus strand (A>G on the coding strand, the complement: COL7A1 is on the minus strand). VCF-style: chr3-48587028-T-C. GRCh37 (hg19) VCF-style: chr3-48624461-T-C.
Other names: short protein forms R1074G.
Identifiers: ClinVar variation 4801666 (VCV004801666.1).

ClinVar aggregate classification (germline): Uncertain significance (1 of 4 stars; one submission).

Submission:

Labcorp Genetics (formerly Invitae), Labcorp
Classification: Uncertain significance. Last evaluated: 2025-10-27. Review status: criteria provided, single submitter. Criteria: Invitae Variant Classification Sherloc (09022015). Collection method: clinical testing. Allele origin: germline.
Comment: This sequence change replaces arginine, which is basic and polar, with glycine, which is neutral and non-polar, at codon 1074 of the COL7A1 protein (p.Arg1074Gly). This variant is not present in population databases (gnomAD no frequency). This variant has not been reported in the literature in individuals affected with COL7A1-related conditions. Invitae Evidence Modeling of protein sequence and biophysical properties (such as structural, functional, and spatial information, amino acid conservation, physicochemical variation, residue mobility, and thermodynamic stability) indicates that this missense variant is not expected to disrupt COL7A1 protein function with a negative predictive value of 95%. In summary, the available evidence is currently insufficient to determine the role of this variant in disease. Therefore, it has been classified as a Variant of Uncertain Significance.